The following is an entry in ClinVar:

NM_003718.5(CDK13):c.2027G>A (p.Ser676Asn)

Gene: CDK13 (cyclin dependent kinase 13; plus strand). Cytogenetic location: 7p14.1.
Variant type: single nucleotide variant.
Coding change: c.2027G>A on transcript NM_003718.5 (MANE Select); coding-DNA position 2027, G replaced by A.
Protein change: p.Ser676Asn; replaces serine 676 with asparagine.
Molecular consequence: missense variant.
Genome position (GRCh38, 1-based): chr7:39,997,649, G>A. VCF-style: chr7-39997649-G-A. GRCh37 (hg19) VCF-style: chr7-40037248-G-A.
Other names: c.2027G>A, p.Ser676Asn (NM_031267.4); short protein forms S676N.
Identifiers: ClinVar variation 760979 (VCV000760979.34), dbSNP rs139935261, ClinGen allele CA4228614.

ClinVar aggregate classification (germline): Benign/Likely benign. Review status: criteria provided, multiple submitters, no conflicts (2 of 4 stars). 5 submissions from 5 submitters: Benign (2); Likely benign (2). 1 of the submissions does not count toward it. Last evaluated 2026-01-12.

Conditions:
Inborn genetic diseases. Identifiers: MedGen C0950123, MeSH D030342.
CDK13-related disorder. Also called: CDK13-related condition. Identifiers: MedGen C5816700.

Allele frequency attached by ClinVar (database versions not stated): 1000 Genomes Project 30x 0.00016; gnomAD exomes 0.00019 and 0.00032; 1000 Genomes Project 0.00020; TOPMed 0.00022; gnomAD 0.00027 and 0.00028; ExAC 0.00028; ESP Exome Variant Server 0.00031.
gnomAD v4.1: 334 of 1,613,118 alleles (0.021%); highest among the groups gnomAD compares: Non-Finnish European, 0.013%; 2 homozygotes.

Submissions (5):

Labcorp Genetics (formerly Invitae), Labcorp
Classification: Benign. Last evaluated: 2026-01-12. Review status: criteria provided, single submitter. Criteria: Invitae Variant Classification Sherloc (09022015). Collection method: clinical testing. Allele origin: germline.

Laboratory of Genetics, Children's Clinical University Hospital Latvia
Classification: Likely benign. Last evaluated: 2025-02-16. Review status: criteria provided, single submitter. Criteria: ACMG Guidelines, 2015. Collection method: clinical testing. Allele origin: germline. Affected: yes.

CeGaT Center for Human Genetics Tuebingen
Classification: Benign. Last evaluated: 2023-08-01. Review status: criteria provided, single submitter. Criteria: CeGaT Center For Human Genetics Tuebingen Variant Classification Criteria Version 2. Collection method: clinical testing. Allele origin: germline. Affected: yes. Observed: 1 variant allele.
Comment: CDK13: BP4, BS1, BS2

Ambry Genetics
Classification: Likely benign for Inborn genetic diseases. Last evaluated: 2022-03-16. Review status: criteria provided, single submitter. Criteria: Ambry Variant Classification Scheme 2023. Collection method: clinical testing. Allele origin: germline.

PreventionGenetics, part of Exact Sciences
Classification: Likely benign for CDK13-related condition. Last evaluated: 2019-05-25. Review status: no assertion criteria provided. Collection method: clinical testing. Allele origin: germline. Not counted in ClinVar's aggregate classification.
Comment: This variant is classified as likely benign based on ACMG/AMP sequence variant interpretation guidelines (Richards et al. 2015 PMID: 25741868, with internal and published modifications).